The following is an entry in ClinVar:

NM_212552.3(BOLA3):c.142A>G (p.Thr48Ala)

Gene: BOLA3 (bolA family member 3; minus strand). Cytogenetic location: 2p13.1.
Variant type: single nucleotide variant.
Coding change: c.142A>G on transcript NM_212552.3 (MANE Select); coding-DNA position 142, A replaced by G.
Protein change: p.Thr48Ala; replaces threonine 48 with alanine.
Molecular consequence: missense variant.
Genome position (GRCh38, 1-based): chr2:74,145,216, T>C on the plus strand (A>G on the coding strand, the complement: BOLA3 is on the minus strand). VCF-style: chr2-74145216-T-C. GRCh37 (hg19) VCF-style: chr2-74372343-T-C.
Other names: c.142A>G, p.Thr48Ala (NM_001035505.2); c.142A>G (NM_212552.2); short protein forms T48A.
Identifiers: ClinVar variation 2101167 (VCV002101167.5), dbSNP rs1692522040, ClinGen allele CA347312370.
Genomic context (GRCh38, chr2:74,145,216, plus strand): 5'-CAAGCGCCGTAGGAAGAGTGAGAGAAACCTTACCTGAAATGTCAGTGACTTTTATAGCTG[T>C]AGCTCGTGGAAACTTTTCTTTGAGAATTTGGGTCACTCTGAGCTCCCCCTCAGTCTGAGT-3'
Protein context (NP_997717.2, residues 38-58): QILKEKFPRA[Thr48Ala]AIKVTDISGG

ClinVar aggregate classification (germline): Uncertain significance. Review status: criteria provided, multiple submitters, no conflicts (2 of 4 stars). 2 submissions from 2 submitters: Uncertain significance (2). Last evaluated 2025-05-27.

Allele frequency attached by ClinVar (database versions not stated): gnomAD exomes below 0.00001.

Submissions (2):

GeneDx
Classification: Uncertain significance. Last evaluated: 2025-05-27. Review status: criteria provided, single submitter. Criteria: GeneDx Variant Classification Process June 2021. Collection method: clinical testing. Allele origin: germline. Affected: yes.
Comment: Not observed at significant frequency in large population cohorts (gnomAD); In silico analysis supports that this missense variant has a deleterious effect on protein structure/function; Has not been previously published as pathogenic or benign to our knowledge

Labcorp Genetics (formerly Invitae), Labcorp
Classification: Uncertain significance. Last evaluated: 2023-08-04. Review status: criteria provided, single submitter. Criteria: Invitae Variant Classification Sherloc (09022015). Collection method: clinical testing. Allele origin: germline.
Comment: In summary, the available evidence is currently insufficient to determine the role of this variant in disease. Therefore, it has been classified as a Variant of Uncertain Significance. An algorithm developed to predict the effect of missense changes on protein structure and function (PolyPhen-2) suggests that this variant is likely to be tolerated. ClinVar contains an entry for this variant (Variation ID: 2101167). This variant has not been reported in the literature in individuals affected with BOLA3-related conditions. This variant is not present in population databases (gnomAD no frequency). This sequence change replaces threonine, which is neutral and polar, with alanine, which is neutral and non-polar, at codon 48 of the BOLA3 protein (p.Thr48Ala).